The following is an entry in ClinVar:

ClinVar aggregate classification (germline): Pathogenic/Likely pathogenic. Review status: criteria provided, multiple submitters, no conflicts (2 of 4 stars). 3 submissions from 3 submitters: Pathogenic (1); Likely pathogenic (2). Last evaluated 2024-11-02.

Conditions:
COL2A1-related disorder. Also called: COL2A1-related condition; COL2A1-related disorders.

Submissions (3):

Labcorp Genetics (formerly Invitae), Labcorp
Classification: Likely pathogenic. Last evaluated: 2024-11-02. Review status: criteria provided, single submitter. Criteria: Invitae Variant Classification Sherloc (09022015). Collection method: clinical testing. Allele origin: germline.
Comment: This sequence change replaces glycine, which is neutral and non-polar, with aspartic acid, which is acidic and polar, at codon 942 of the COL2A1 protein (p.Gly942Asp). This variant is not present in population databases (gnomAD no frequency). This variant has not been reported in the literature in individuals affected with COL2A1-related conditions. ClinVar contains an entry for this variant (Variation ID: 280767). Invitae Evidence Modeling of protein sequence and biophysical properties (such as structural, functional, and spatial information, amino acid conservation, physicochemical variation, residue mobility, and thermodynamic stability) indicates that this missense variant is expected to disrupt COL2A1 protein function with a positive predictive value of 95%. This variant disrupts the triple helix domain of COL2A1. Glycine residues within the Gly-Xaa-Yaa repeats of the triple helix domain are required for the structure and stability of fibrillar collagens (PMID: 7695699, 8218237, 19344236). In COL2A1, variants affecting these glycine residues are significantly enriched in individuals with disease (PMID: 9016532, 17078022) compared to the general population (ExAC). In summary, the currently available evidence indicates that the variant is pathogenic, but additional data are needed to prove that conclusively. Therefore, this variant has been classified as Likely Pathogenic.

Blueprint Genetics
Classification: Likely pathogenic for COL2A1-related disorders. Last evaluated: 2021-09-03. Review status: criteria provided, single submitter. Criteria: ACMG Guidelines, 2015. Collection method: clinical testing. Allele origin: germline. Affected: yes. Observed: 1 variant allele.

GeneDx
Classification: Pathogenic. Last evaluated: 2017-04-21. Review status: criteria provided, single submitter. Criteria: GeneDx Variant Classification (06012015). Collection method: clinical testing. Allele origin: germline. Affected: yes.
Comment: A novel G942D pathogenic variant was identified in the COL2A1 gene. It has not been published as a pathogenic variant, nor has it been reported as a benign variant to our knowledge. G942D occurs in the triple helical domain and replaces the Glycine in the canonical Gly-X-Y repeat. Mutations in these Glycines result in poor winding of the collagen triple helix and a less functional protein. The G942D variant was not observed in approximately 6500 individuals of European and African American ancestry in the NHLBI Exome Sequencing Project, indicating it is not a common benign variant in these populations. G942D is a non-conservative amino acid substitution, which is likely to impact secondary protein structure as these residues differ in polarity, charge, size and/or other properties. This substitution occurs at a position that is conserved across species. In silico analysis predicts this variant is probably damaging to the protein structure/function. Missense variants in nearby residues (R940Q, G945S) have been reported in the Human Gene Mutation Database in association with skeletal dysplasias (Stenson et al., 2014), supporting the functional importance of this region of the protein.

Literature cited by the submitters: PubMed 7695699 (cited by Labcorp Genetics (formerly Invitae), Labcorp); PubMed 8218237 (cited by Labcorp Genetics (formerly Invitae), Labcorp); PubMed 19344236 (cited by Labcorp Genetics (formerly Invitae), Labcorp); PubMed 9016532 (cited by Labcorp Genetics (formerly Invitae), Labcorp); PubMed 17078022 (cited by Labcorp Genetics (formerly Invitae), Labcorp).

NM_001844.5(COL2A1):c.2825G>A (p.Gly942Asp)

Gene: COL2A1 (collagen type II alpha 1 chain; minus strand). Cytogenetic location: 12q13.11.
Variant type: single nucleotide variant.
Coding change: c.2825G>A on transcript NM_001844.5 (MANE Select); coding-DNA position 2825, G replaced by A.
Protein change: p.Gly942Asp; replaces glycine 942 with aspartic acid.
Molecular consequence: missense variant.
Genome position (GRCh38, 1-based): chr12:47,978,667, C>T on the plus strand (G>A on the coding strand, the complement: COL2A1 is on the minus strand). VCF-style: chr12-47978667-C-T. GRCh37 (hg19) VCF-style: chr12-48372450-C-T.
Other names: c.2618G>A, p.Gly873Asp (NM_033150.3); short protein forms G942D, G873D.
Identifiers: ClinVar variation 280767 (VCV000280767.5), dbSNP rs886041914, ClinGen allele CA10603256.